The following is an entry in ClinVar:

NM_000521.4(HEXB):c.302A>G (p.Tyr101Cys)

Gene: HEXB (hexosaminidase subunit beta; plus strand). Cytogenetic location: 5q13.3.
Variant type: single nucleotide variant.
Coding change: c.302A>G on transcript NM_000521.4 (MANE Select); coding-DNA position 302, A replaced by G.
Protein change: p.Tyr101Cys; replaces tyrosine 101 with cysteine.
Molecular consequence: missense variant. On other transcripts: 5 prime UTR variant (1).
Genome position (GRCh38, 1-based): chr5:74,689,330, A>G. VCF-style: chr5-74689330-A-G. GRCh37 (hg19) VCF-style: chr5-73985155-A-G.
Other names: c.-374A>G (NM_001292004.2); short protein forms Y101C.
Identifiers: ClinVar variation 1018858 (VCV001018858.2), dbSNP rs1748942839, ClinGen allele CA360062850.

ClinVar aggregate classification (germline): Uncertain significance (1 of 4 stars; one submission).

Conditions:
Sandhoff disease. Also called: Beta-hexosaminidase-beta-subunit deficiency; GM2 gangliosidosis, type 2; Total hexosaminidase deficiency; Sandhoff-Jatzkewitz-Pilz disease; GM2-GANGLIOSIDOSIS, TYPE II; HEXOSAMINIDASES A AND B DEFICIENCY. Identifiers: Orphanet 796, MedGen C0036161, MONDO:0010006, OMIM 268800.

Allele frequency attached by ClinVar (database versions not stated): TOPMed 0.00001.

Submission:

Labcorp Genetics (formerly Invitae), Labcorp
Classification: Uncertain significance for Sandhoff disease. Last evaluated: 2021-08-27. Review status: criteria provided, single submitter. Criteria: Invitae Variant Classification Sherloc (09022015). Collection method: clinical testing. Allele origin: germline.
Comment: This sequence change replaces tyrosine with cysteine at codon 101 of the HEXB protein (p.Tyr101Cys). The tyrosine residue is highly conserved and there is a large physicochemical difference between tyrosine and cysteine. This variant is not present in population databases (ExAC no frequency). This variant has not been reported in the literature in individuals affected with HEXB-related conditions. Algorithms developed to predict the effect of missense changes on protein structure and function are either unavailable or do not agree on the potential impact of this missense change (SIFT: "Deleterious"; PolyPhen-2: "Probably Damaging"; Align-GVGD: "Class C0"). In summary, the available evidence is currently insufficient to determine the role of this variant in disease. Therefore, it has been classified as a Variant of Uncertain Significance.